The following is an entry in ClinVar:

ClinVar aggregate classification (germline): Uncertain significance. Review status: criteria provided, multiple submitters, no conflicts (2 of 4 stars). 2 submissions from 2 submitters: Uncertain significance (2). Last evaluated 2026-05-22.

Conditions:
Autosomal dominant Alport syndrome (ATS3A). Also called: Alport syndrome dominant type; Renal failure and sensorineural hearing loss; ALPORT SYNDROME 3A, AUTOSOMAL DOMINANT. Identifiers: Orphanet 63, Orphanet 88918, MedGen C5882663, MONDO:0007086, OMIM 104200.
Steroid-resistant nephrotic syndrome. Identifiers: MedGen C0403397, MONDO:0044765, HP:0012588.

Submissions (2):

Genetics laboratory, Institute of Kidney Diseases & Research Centre Dr. H.L. Trivedi Institute Of Transplantation Sciences
Classification: Uncertain significance for Autosomal dominant Alport syndrome. Last evaluated: 2026-05-22. Review status: criteria provided, single submitter. Criteria: ACMG Guidelines, 2015. Collection method: clinical testing. Allele origin: germline. Inheritance: Autosomal dominant inheritance. Affected: yes. Observed: 1 variant allele, 1 heterozygote.
Comment: A heterozygous missense variant, c.4145G>T (p.Gly1382Val), was identified in the COL4A3 gene. The variant results in substitution of a highly conserved glycine residue within the collagenous Gly-X-Y domain of the α3 chain of type IV collagen, a critical region in which glycine substitutions are a well-established mechanism underlying COL4A3-related Alport syndrome. The variant is rare in population databases; however, direct functional evidence and sufficient clinical data for this specific substitution are currently limited. Based on the available evidence, the variant is classified as a Variant of Uncertain Significance.

Diagnostics Division, CENTRE FOR DNA FINGERPRINTING AND DIAGNOSTICS
Classification: Uncertain significance for Steroid-resistant nephrotic syndrome. Last evaluated: 2019-08-17. Review status: criteria provided, single submitter. Criteria: ACMG Guidelines, 2015. Collection method: research. Allele origin: somatic. Inheritance: Autosomal dominant inheritance. Affected: yes. Observed: 1 heterozygote.
Comment: Additionally, an in silico analysis reveals that the Gly1382 residue is highly conserved in many organisms.

NM_000091.5(COL4A3):c.4145G>T (p.Gly1382Val)

Genes: COL4A3 (collagen type IV alpha 3 chain; plus strand), MFF-DT (MFF divergent transcript; minus strand). Cytogenetic location: 2q36.3.
Variant type: single nucleotide variant.
Coding change: c.4145G>T on transcript NM_000091.5 (MANE Select); coding-DNA position 4145, G replaced by T.
Protein change: p.Gly1382Val; replaces glycine 1382 with valine.
Molecular consequence: missense variant.
Genome position (GRCh38, 1-based): chr2:227,304,136, G>T. VCF-style: chr2-227304136-G-T. GRCh37 (hg19) VCF-style: chr2-228168852-G-T.
Other names: short protein forms G1382V.
Identifiers: ClinVar variation 805944 (VCV000805944.5), dbSNP rs1574834554, ClinGen allele CA350863070.